The following is an entry in ClinVar:

NM_001370298.3(FGD4):c.1440T>C (p.His480=)

Gene: FGD4 (FYVE, RhoGEF and PH domain containing 4; plus strand). Cytogenetic location: 12p11.21.
Variant type: single nucleotide variant.
Coding change: c.1440T>C on transcript NM_001370298.3 (MANE Select); coding-DNA position 1440, T replaced by C.
Protein change: p.His480=; no amino-acid change (histidine 480 retained).
Molecular consequence: synonymous variant. On other transcripts: 5 prime UTR variant (1).
Genome position (GRCh38, 1-based): chr12:32,607,992, T>C. VCF-style: chr12-32607992-T-C. GRCh37 (hg19) VCF-style: chr12-32760926-T-C.
Other names: c.1284T>C, p.His428= (NM_001304481.2); c.285T>C, p.His95= (NM_001304483.2); c.-4T>C (NM_001304484.2); c.750T>C, p.His250= (NM_001330373.2, NM_001330374.2, NM_001384130.1); c.477T>C, p.His159= (NM_001370297.1); c.1440T>C, p.His480= (NM_001384126.1); c.1029T>C, p.His343= (NM_001384127.1, NM_001384128.1, NM_001385118.1 and 1 more transcripts).
Identifiers: ClinVar variation 1088374 (VCV001088374.10), dbSNP rs150223260, ClinGen allele CA6506785.

ClinVar aggregate classification (germline): Likely benign. Review status: criteria provided, multiple submitters, no conflicts (2 of 4 stars). 2 submissions from 2 submitters: Likely benign (2). Last evaluated 2025-12-22.

Conditions:
Charcot-Marie-Tooth disease type 4. Also called: Charcot-Marie-Tooth disease, type IV; Charcot-Marie-Tooth, Type 4. Identifiers: Orphanet 64749, MedGen C4082197, MONDO:0018995.
FGD4-related disorder. Also called: FGD4-related condition.

Allele frequency attached by ClinVar (database versions not stated): gnomAD 0.00037 and 0.00031; gnomAD exomes 0.00003 and 0.00009; ExAC 0.00010; ESP Exome Variant Server 0.00023; TOPMed 0.00034.
gnomAD v4.1: 95 of 1,614,154 alleles (0.0059%); highest among the groups gnomAD compares: African/African-American, 0.11%; no homozygotes.

Submissions (2):

Labcorp Genetics (formerly Invitae), Labcorp
Classification: Likely benign for Charcot-Marie-Tooth disease type 4. Last evaluated: 2025-12-22. Review status: criteria provided, single submitter. Criteria: Invitae Variant Classification Sherloc (09022015). Collection method: clinical testing. Allele origin: germline.

PreventionGenetics, part of Exact Sciences
Classification: Likely benign for FGD4-related condition. Last evaluated: 2025-06-10. Review status: criteria provided, single submitter. Criteria: ACMG Guidelines, 2015. Collection method: clinical testing. Allele origin: germline.
Comment: This variant is classified as likely benign based on ACMG/AMP sequence variant interpretation guidelines (Richards et al. 2015 PMID: 25741868, with internal and published modifications).